The following is an entry in ClinVar:

ClinVar aggregate classification (germline): Uncertain significance. Review status: criteria provided, multiple submitters, no conflicts (2 of 4 stars). 3 submissions from 3 submitters: Uncertain significance (3). Last evaluated 2025-03-14.

Conditions:
Inborn genetic diseases. Identifiers: MedGen C0950123, MeSH D030342.

Allele frequency attached by ClinVar (database versions not stated): gnomAD exomes below 0.00001; TOPMed below 0.00001.
gnomAD v4.1: 1 of 1,613,922 alleles (0.000062%); highest among the groups gnomAD compares: Non-Finnish European, 0.000085%; no homozygotes.

Submissions (3):

Ambry Genetics
Classification: Uncertain significance for Inborn genetic diseases. Last evaluated: 2025-03-14. Review status: criteria provided, single submitter. Criteria: Ambry Variant Classification Scheme 2023. Collection method: clinical testing. Allele origin: germline.

Labcorp Genetics (formerly Invitae), Labcorp
Classification: Uncertain significance. Last evaluated: 2022-08-01. Review status: criteria provided, single submitter. Criteria: Invitae Variant Classification Sherloc (09022015). Collection method: clinical testing. Allele origin: germline.
Comment: In summary, the available evidence is currently insufficient to determine the role of this variant in disease. Therefore, it has been classified as a Variant of Uncertain Significance. Advanced modeling of protein sequence and biophysical properties (such as structural, functional, and spatial information, amino acid conservation, physicochemical variation, residue mobility, and thermodynamic stability) performed at Invitae indicates that this missense variant is expected to disrupt OPA1 protein function. ClinVar contains an entry for this variant (Variation ID: 1211919). This variant has not been reported in the literature in individuals affected with OPA1-related conditions. This variant is not present in population databases (gnomAD no frequency). This sequence change replaces aspartic acid, which is acidic and polar, with tyrosine, which is neutral and polar, at codon 662 of the OPA1 protein (p.Asp662Tyr).

GeneDx
Classification: Uncertain significance. Last evaluated: 2020-01-30. Review status: criteria provided, single submitter. Criteria: GeneDx Variant Classification Process June 2021. Collection method: clinical testing. Allele origin: germline. Affected: yes.
Comment: Not observed in large population cohorts (Lek et al., 2016); In silico analysis, which includes protein predictors and evolutionary conservation, supports a deleterious effect; Has not been previously published as pathogenic or benign to our knowledge

NM_130837.3(OPA1):c.2149G>T (p.Asp717Tyr)

Gene: OPA1 (OPA1 mitochondrial dynamin like GTPase; plus strand). Cytogenetic location: 3q29.
Variant type: single nucleotide variant.
Coding change: c.2149G>T on transcript NM_130837.3 (MANE Select); coding-DNA position 2149, G replaced by T.
Protein change: p.Asp717Tyr; replaces aspartic acid 717 with tyrosine.
Molecular consequence: missense variant.
Genome position (GRCh38, 1-based): chr3:193,654,998, G>T. VCF-style: chr3-193654998-G-T. GRCh37 (hg19) VCF-style: chr3-193372787-G-T.
Other names: c.1615G>T, p.Asp539Tyr (NM_001354663.2); c.1612G>T, p.Asp538Tyr (NM_001354664.2); c.1984G>T, p.Asp662Tyr (NM_015560.3); c.1876G>T, p.Asp626Tyr (NM_130831.3); c.1930G>T, p.Asp644Tyr (NM_130832.3); c.1987G>T, p.Asp663Tyr (NM_130833.3); c.2038G>T, p.Asp680Tyr (NM_130834.3); c.2041G>T, p.Asp681Tyr (NM_130835.3); and 1 more; short protein forms D538Y, D539Y, D626Y, D644Y, D662Y, D663Y, D680Y, D681Y.
Identifiers: ClinVar variation 1211919 (VCV001211919.12), dbSNP rs1379001496, ClinGen allele CA355791273.